The following is an entry in ClinVar:

NM_017777.4(MKS1):c.718C>A (p.Pro240Thr)

Gene: MKS1 (MKS transition zone complex subunit 1; minus strand). Cytogenetic location: 17q22.
Variant type: single nucleotide variant.
Coding change: c.718C>A on transcript NM_017777.4 (MANE Select); coding-DNA position 718, C replaced by A.
Protein change: p.Pro240Thr; replaces proline 240 with threonine.
Molecular consequence: missense variant.
Genome position (GRCh38, 1-based): chr17:58,213,796, G>T on the plus strand (C>A on the coding strand, the complement: MKS1 is on the minus strand). VCF-style: chr17-58213796-G-T. GRCh37 (hg19) VCF-style: chr17-56291157-G-T.
Other names: c.109C>A, p.Pro37Thr (NM_001321268.2); c.718C>A, p.Pro240Thr (NM_001321269.2, NM_001330397.2, NM_001411113.1); short protein forms P240T, P37T.
Identifiers: ClinVar variation 4984177 (VCV004984177.1).
Genomic context (GRCh38, chr17:58,213,796, plus strand): 5'-CTCCACTACCCCTTTCTTCCTCTCCTCACCTGTAGGGTCCTTTGAGGCCCGTGAAGTCAG[G>T]CTTTACTGTGATCACACCATTGCTATCCACCTTCAGAGTACACAGGACATGTTCATACTT-3'
Protein context (NP_060247.2, residues 230-250): VDSNGVITVK[Pro240Thr]DFTGLKGPYR

ClinVar aggregate classification (germline): Uncertain significance (1 of 4 stars; one submission).

Conditions:
MKS1-related disorder. Also called: MKS1-related disorders; MKS1-related condition. Identifiers: MedGen CN239382.

gnomAD v4.1: 3 of 1,614,032 alleles (0.00019%); highest among the groups gnomAD compares: Non-Finnish European, 0.00025%; no homozygotes.

Submission:

PreventionGenetics, part of Exact Sciences
Classification: Uncertain significance for MKS1-related condition. Last evaluated: 2025-09-22. Review status: criteria provided, single submitter. Criteria: ACMG Guidelines, 2015. Collection method: clinical testing. Allele origin: germline.
Comment: The MKS1 c.718C>A variant is predicted to result in the amino acid substitution p.Pro240Thr. To our knowledge, this variant has not been reported in the literature or in a large population database (gnomAD), indicating this variant is rare. At this time, the clinical significance of this variant is uncertain due to the absence of conclusive functional and genetic evidence.